The following is an entry in ClinVar:

ClinVar aggregate classification (germline): Uncertain significance (1 of 4 stars; one submission).

Submission:

Labcorp Genetics (formerly Invitae), Labcorp
Classification: Uncertain significance. Last evaluated: 2022-11-28. Review status: criteria provided, single submitter. Criteria: Invitae Variant Classification Sherloc (09022015). Collection method: clinical testing. Allele origin: germline.
Comment: This sequence change creates a premature translational stop signal (p.Val156Glufs*4) in the ALPK1 gene. It is expected to result in an absent or disrupted protein product. However, the current clinical and genetic evidence is not sufficient to establish whether loss-of-function variants in ALPK1 cause disease. This variant is not present in population databases (gnomAD no frequency). This variant has not been reported in the literature in individuals affected with ALPK1-related conditions. In summary, the available evidence is currently insufficient to determine the role of this variant in disease. Therefore, it has been classified as a Variant of Uncertain Significance.

NM_025144.4(ALPK1):c.459_466dup (p.Val156fs)

Gene: ALPK1 (alpha kinase 1; plus strand). Cytogenetic location: 4q25.
Variant type: Duplication.
Coding change: c.459_466dup on transcript NM_025144.4 (MANE Select); coding-DNA positions 459 to 466, 8 bases duplicated (AATCTCCG; older notation c.459_466dupAATCTCCG).
Protein change: p.Val156fs; shifts the reading frame from valine 156.
Molecular consequence: frameshift variant.
Genome position (GRCh38, 1-based): chr4:112,412,009-112,412,016, AATCTCCG duplicated; duplicating any 8 consecutive bases within chr4:112,412,006-112,412,016 gives the same sequence; the c. name uses the placement nearest the transcript's 3' end. VCF-style (leftmost placement, unchanged base first): chr4-112412005-C-CCCGAATCT. GRCh37 (hg19) VCF-style: chr4-113333161-C-CCCGAATCT.
Other names: c.459_466dup, p.Val156fs (NM_001102406.2); c.225_232dup, p.Val78fs (NM_001253884.2); short protein forms V156fs, V78fs.
Identifiers: ClinVar variation 2989581 (VCV002989581.3), dbSNP rs2476468393, ClinGen allele CA2578170138.